The following is an entry in ClinVar:

ClinVar aggregate classification (germline): Uncertain significance. Review status: criteria provided, multiple submitters, no conflicts (2 of 4 stars). 2 submissions from 2 submitters: Uncertain significance (2). Last evaluated 2025-07-14.

Conditions:
Pancreatic adenocarcinoma. Identifiers: MedGen C0281361, MONDO:0006047, HP:0006725.

Allele frequency attached by ClinVar (database versions not stated): gnomAD exomes below 0.00001.
gnomAD v4.1: 1 of 1,475,178 alleles (0.000068%); highest among the groups gnomAD compares: Non-Finnish European, 0.000089%; no homozygotes.

Submissions (2):

Ambry Genetics
Classification: Uncertain significance. Last evaluated: 2025-07-14. Review status: criteria provided, single submitter. Criteria: Ambry Variant Classification Scheme 2023. Collection method: clinical testing. Allele origin: germline.
Comment: The p.E78K variant (also known as c.232G>A), located in coding exon 1 of the PALLD gene, results from a G to A substitution at nucleotide position 232. The glutamic acid at codon 78 is replaced by lysine, an amino acid with similar properties. This amino acid position is conserved. In addition, this alteration is predicted to be tolerated by in silico analysis. Based on the available evidence, the clinical significance of this variant remains unclear.

Labcorp Genetics (formerly Invitae), Labcorp
Classification: Uncertain significance for Pancreatic adenocarcinoma. Last evaluated: 2022-01-06. Review status: criteria provided, single submitter. Criteria: Invitae Variant Classification Sherloc (09022015). Collection method: clinical testing. Allele origin: germline.
Comment: In summary, the available evidence is currently insufficient to determine the role of this variant in disease. Therefore, it has been classified as a Variant of Uncertain Significance. Algorithms developed to predict the effect of missense changes on protein structure and function (SIFT, PolyPhen-2, Align-GVGD) all suggest that this variant is likely to be tolerated. This variant has not been reported in the literature in individuals affected with PALLD-related conditions. This sequence change replaces glutamic acid, which is acidic and polar, with lysine, which is basic and polar, at codon 78 of the PALLD protein (p.Glu78Lys). This variant is not present in population databases (gnomAD no frequency).

NM_001166108.2(PALLD):c.1965-12799G>A

Gene: PALLD (palladin, cytoskeletal associated protein; plus strand). Cytogenetic location: 4q32.3.
Variant type: single nucleotide variant.
Coding change: c.1965-12799G>A on transcript NM_001166108.2 (MANE Select); 12799 bases into the intron before coding-DNA position 1965, G replaced by A.
Molecular consequence: intron variant. On other transcripts: missense variant (1).
Genome position (GRCh38, 1-based): chr4:168,878,123, G>A. VCF-style: chr4-168878123-G-A. GRCh37 (hg19) VCF-style: chr4-169799274-G-A.
Other names: c.232G>A (NM_001166110.1); c.232G>A, p.Glu78Lys (NM_001166110.2); c.1965-12799G>A (NM_016081.4); c.819-12799G>A (NM_001166109.2); c.-157-12799G>A (NM_001367570.1, NM_001367568.1, NM_001367567.1 and 1 more transcripts); short protein forms E78K.
Identifiers: ClinVar variation 1962367 (VCV001962367.6), dbSNP rs2533438135, ClinGen allele CA358795679.